The following is an entry in ClinVar:

NM_007167.4(ZMYM6):c.3032T>G (p.Phe1011Cys)

Gene: ZMYM6 (zinc finger MYM-type containing 6; minus strand). Cytogenetic location: 1p34.3.
Variant type: single nucleotide variant.
Coding change: c.3032T>G on transcript NM_007167.4 (MANE Select); coding-DNA position 3032, T replaced by G.
Protein change: p.Phe1011Cys; replaces phenylalanine 1011 with cysteine.
Molecular consequence: missense variant.
Genome position (GRCh38, 1-based): chr1:34,988,050, A>C on the plus strand (T>G on the coding strand, the complement: ZMYM6 is on the minus strand). VCF-style: chr1-34988050-A-C. GRCh37 (hg19) VCF-style: chr1-35453651-A-C.
Other names: short protein forms F1011C.
Identifiers: ClinVar variation 3035215 (VCV003035215.2), dbSNP rs61744853, ClinGen allele CA756238.

ClinVar aggregate classification (germline): Benign (0 of 4 stars; one submission).

Conditions:
ZMYM6-related disorder. Also called: ZMYM6-related condition.

Allele frequency attached by ClinVar (database versions not stated): 1000 Genomes Project 0.00160; ExAC 0.00211; 1000 Genomes Project 30x 0.00250; gnomAD 0.00389; TOPMed 0.00442; gnomAD exomes 0.00694.
gnomAD v4.1: 10,222 of 1,551,608 alleles (0.66%); highest among the groups gnomAD compares: Non-Finnish European, 0.83%; 49 homozygotes.

Submission:

PreventionGenetics, part of Exact Sciences
Classification: Benign for ZMYM6-related condition. Last evaluated: 2019-02-20. Review status: no assertion criteria provided. Collection method: clinical testing. Allele origin: germline.
Comment: This variant is classified as benign based on ACMG/AMP sequence variant interpretation guidelines (Richards et al. 2015 PMID: 25741868, with internal and published modifications).